The following is an entry in ClinVar:

ClinVar aggregate classification (germline): Pathogenic. Review status: criteria provided, multiple submitters, no conflicts (2 of 4 stars). 11 submissions from 10 submitters: Pathogenic (7). 4 of the submissions do not count toward it. Last evaluated 2025-12-08.

Conditions:
Rare genetic deafness. Identifiers: Orphanet 96210, MedGen C5680250.
MYO7A-related disorder. Also called: MYO7A-related disorders.
Usher syndrome. Also called: Usher Syndromes; Usher's syndrome. Identifiers: Orphanet 886, MedGen CN469326, MeSH D052245, MONDO:0019501. Disease mechanism: loss of function.
Usher syndrome type 1 (USH1). Also called: RETINITIS PIGMENTOSA AND CONGENITAL DEAFNESS. Identifiers: Orphanet 231169, Orphanet 886, MedGen C1568247, MONDO:0010168, OMIM 276900.
Usher syndrome type 1B (USH1B). Also called: Usher syndrome type IB. Identifiers: MedGen C1848638, MONDO:0700087.
Autosomal recessive nonsyndromic hearing loss 2. Also called: DEAFNESS, AUTOSOMAL RECESSIVE 2; NEUROSENSORY NONSYNDROMIC RECESSIVE DEAFNESS 2. Identifiers: Orphanet 90636, MedGen C1838701, MONDO:0010807, OMIM 600060.
Hearing loss, autosomal recessive. Also called: Autosomal recessive nonsyndromic deafness; Rare autosomal recessive non-syndromic sensorineural deafness type DFNB; Nonsyndromic Hearing Loss, Recessive; Deafness, autosomal recessive. Identifiers: Orphanet 90635, Orphanet 90636, MedGen C1846647, MONDO:0019588, OMIM 607197.

Submissions (11):

Labcorp Genetics (formerly Invitae), Labcorp
Classification: Pathogenic. Last evaluated: 2025-12-08. Review status: criteria provided, single submitter. Criteria: Invitae Variant Classification Sherloc (09022015). Collection method: clinical testing. Allele origin: germline.
Comment: This sequence change creates a premature translational stop signal (p.His133Profs*7) in the MYO7A gene. It is expected to result in an absent or disrupted protein product. Loss-of-function variants in MYO7A are known to be pathogenic (PMID: 8900236, 25404053). The frequency data for this variant in the population databases is considered unreliable, as metrics indicate poor data quality at this position in the gnomAD database. This premature translational stop signal has been observed in individual(s) with Usher syndrome (PMID: 21569298, 22898263). In at least one individual the data is consistent with being in trans (on the opposite chromosome) from a pathogenic variant. This variant is also known as c.390_391insC. ClinVar contains an entry for this variant (Variation ID: 43229). For these reasons, this variant has been classified as Pathogenic.

Natera, Inc.
Classification: Pathogenic for Usher syndrome type 1B. Last evaluated: 2025-09-23. Review status: criteria provided, single submitter. Criteria: Natera Variant Classification Schema (03/2026). Collection method: clinical testing. Allele origin: germline.
Comment: The c.397dupC variant in MYO7A is a frameshift variant predicted to shift the reading frame beginning at codon 133 and leads to a stop codon 7 codons downstream. This variant is expected to result in nonsense mediated decay, truncation, or a dysfunctional protein product. This variant is rare in the general population with a frequency below the threshold expected for the associated phenotype(s). This variant has been observed in one or more individuals affected with the associated recessive disease, as either homozygous or compound heterozygous with a second variant (PMID: 28944237). Given the available evidence, this variant is classified as Pathogenic.

PreventionGenetics, part of Exact Sciences
Classification: Pathogenic for MYO7A-related condition. Last evaluated: 2024-12-04. Review status: criteria provided, single submitter. Criteria: ACMG Guidelines, 2015. Collection method: clinical testing. Allele origin: germline.
Comment: The MYO7A c.397dupC variant is predicted to result in a frameshift and premature protein termination (p.His133Profs*7). This variant has been reported in individuals with Usher syndrome (Bonnet et al. 2011. PubMed ID: 21569298; Bahena et al. 2021. PubMed ID: 34148116). This variant is reported in 0.020% of alleles in individuals of Ashkenazi Jewish descent in gnomAD. Frameshift variants in MYO7A are expected to be pathogenic. This variant is interpreted as pathogenic.

Lab De Baere, Eye and Developmental Genetics Lab, Ghent University
Classification: Pathogenic for Usher syndrome. Last evaluated: 2024-10-01. Review status: criteria provided, single submitter. Criteria: ACMG Guidelines, 2015. Collection method: research. Allele origin: inherited. Affected: yes. Observed: 1 variant allele.
Comment: ACMG/AMP guidelines: PM2, PP4_PP, PVS1, PM3_2

Ophthalmic Genetics Group, Institute of Molecular and Clinical Ophthalmology Basel
Classification: Pathogenic for Usher syndrome. Last evaluated: 2023-07-24. Review status: criteria provided, single submitter. Criteria: ACMG Guidelines, 2015. Collection method: research. Allele origin: germline. Affected: yes. Observed: 3 variant alleles.
Comment: Clinical significance based on ACMG v2.0

This variant was classified as Pathogenic based on ACMG criteria: PVS1, PM2, PP5.

Blueprint Genetics
Classification: Pathogenic for MYO7A-related disorders. Last evaluated: 2022-11-04. Review status: criteria provided, single submitter. Criteria: ACMG Guidelines, 2015. Collection method: clinical testing. Allele origin: germline. Affected: yes. Observed: 5 variant alleles.

Juno Genomics, Hangzhou Juno Genomics, Inc
Classification: Pathogenic for Usher syndrome type 1. Review status: criteria provided, single submitter. Criteria: ACMG Guidelines, 2015. Collection method: clinical testing. Allele origin: germline.
Comment: Null variant in a gene where loss of function (LOF) is a known mechanism of disease.;For recessive disorders, detected in trans with a pathogenic variant.

Counsyl
Classification: Likely pathogenic for Usher syndrome type 1. Last evaluated: 2016-11-03. Review status: no assertion criteria provided. Collection method: clinical testing. Allele origin: unknown. Not counted in ClinVar's aggregate classification.

Counsyl
Classification: Likely pathogenic for Autosomal recessive nonsyndromic hearing loss 2. Last evaluated: 2016-11-03. Review status: no assertion criteria provided. Collection method: clinical testing. Allele origin: unknown. Not counted in ClinVar's aggregate classification.

Laboratory for Molecular Medicine, Mass General Brigham Personalized Medicine
Classification: Likely pathogenic for Rare genetic deafness. Last evaluated: 2008-03-01. Review status: no assertion criteria provided. Collection method: clinical testing. Allele origin: germline. Observed: 2 variant alleles. Not counted in ClinVar's aggregate classification.

University of Washington Center for Mendelian Genomics, University of Washington
Classification: Likely pathogenic for non-syndromic autosomal recessive hearing loss. Review status: no assertion criteria provided. Collection method: research. Allele origin: inherited. Affected: yes. Not counted in ClinVar's aggregate classification.

Literature cited by the submitters: PubMed 8900236 (cited by Labcorp Genetics (formerly Invitae), Labcorp); PubMed 25404053 (cited by Labcorp Genetics (formerly Invitae), Labcorp); PubMed 21569298 (cited by Labcorp Genetics (formerly Invitae), Labcorp and Counsyl); PubMed 22898263 (cited by Labcorp Genetics (formerly Invitae), Labcorp); PubMed 28944237 (cited by Natera, Inc.); PubMed 36909829 (cited by Ophthalmic Genetics Group, Institute of Molecular and Clinical Ophthalmology Basel); PubMed 30303587 (cited by University of Washington Center for Mendelian Genomics, University of Washington).

NM_000260.4(MYO7A):c.397dup (p.His133fs)

Gene: MYO7A (myosin VIIA; plus strand). Cytogenetic location: 11q13.5.
Variant type: Duplication.
Coding change: c.397dup on transcript NM_000260.4 (MANE Select); coding-DNA position 397, one base duplicated (C; older notation c.397dupC).
Protein change: p.His133fs; shifts the reading frame from histidine 133.
Genome position (GRCh38, 1-based): chr11:77,156,018, C duplicated; the last of 7 consecutive C bases (chr11:77,156,012-77,156,018); duplicating any one gives the same sequence. VCF-style (leftmost placement, unchanged base first): chr11-77156011-G-GC. GRCh37 (hg19) VCF-style: chr11-76867057-G-GC.
Other names: p.His133fs; p.His133ProfsX7; NC_000011.9:g.76867064dup; NP_000251.3:p.(His133ProfsTer7); c.397dup (NM_000260.3); c.397dup, p.His133fs (NM_001127180.2); c.364dup, p.His122fs (NM_001369365.1); short protein forms H122fs, H133fs.
Identifiers: ClinVar variation 43229 (VCV000043229.24), dbSNP rs111033187, ClinGen allele CA278662.
Genomic context (GRCh38, chr11:77,156,011, plus strand): 5'-GCTCTCCATCTACTCGCCAGAGCACATCCGCCAGTATACCAACAAGAAGATTGGGGAGAT[G>GC]CCCCCCCACATCTTTGCCATTGCTGACAACTGCTACTTCAACATGAAACGCAACAGCCGA-3'